The following is an entry in ClinVar:

NM_000095.3(COMP):c.959G>A (p.Gly320Glu)

Gene: COMP (cartilage oligomeric matrix protein; minus strand). Cytogenetic location: 19p13.11.
Variant type: single nucleotide variant.
Coding change: c.959G>A on transcript NM_000095.3 (MANE Select); coding-DNA position 959, G replaced by A.
Protein change: p.Gly320Glu; replaces glycine 320 with glutamic acid.
Molecular consequence: missense variant.
Genome position (GRCh38, 1-based): chr19:18,788,228, C>T on the plus strand (G>A on the coding strand, the complement: COMP is on the minus strand). VCF-style: chr19-18788228-C-T. GRCh37 (hg19) VCF-style: chr19-18899037-C-T.
Other names: short protein forms G320E.
Identifiers: ClinVar variation 5005955 (VCV005005955.2).

ClinVar aggregate classification (germline): Uncertain significance (1 of 4 stars; one submission).

Conditions:
Multiple epiphyseal dysplasia type 1. Also called: COMP-Related Multiple Epiphyseal Dysplasia. Identifiers: Orphanet 93308, MedGen C1838280, MONDO:0007561, OMIM 132400.
Carpal tunnel syndrome 2. Identifiers: MedGen C5436916, MONDO:0030883, OMIM 619161.
Pseudoachondroplastic spondyloepiphyseal dysplasia syndrome (PSACH). Also called: PSEUDOACHONDROPLASTIC DYSPLASIA; Pseudoachondroplasia; COMP-Related Pseudoachondroplasia. Identifiers: Orphanet 750, MedGen C0410538, MONDO:0008322, OMIM 177170.

Submission:

Juno Genomics, Hangzhou Juno Genomics, Inc
Classification: Uncertain significance for Carpal tunnel syndrome 2; Multiple epiphyseal dysplasia type 1; Pseudoachondroplastic spondyloepiphyseal dysplasia syndrome. Review status: criteria provided, single submitter. Criteria: ACMG Guidelines, 2015. Collection method: clinical testing. Allele origin: germline.
Comment: Absent from controls (or at extremely low frequency if recessive) in Genome Aggregation Database.;Multiple lines of computational evidence support a deleterious effect on the gene or gene product.